The following is an entry in ClinVar:

NM_030962.4(SBF2):c.1067G>A (p.Arg356Gln)

Gene: SBF2 (SET binding factor 2; minus strand). Cytogenetic location: 11p15.4.
Variant type: single nucleotide variant.
Coding change: c.1067G>A on transcript NM_030962.4 (MANE Select); coding-DNA position 1067, G replaced by A.
Protein change: p.Arg356Gln; replaces arginine 356 with glutamine.
Molecular consequence: missense variant.
Genome position (GRCh38, 1-based): chr11:9,993,090, C>T on the plus strand (G>A on the coding strand, the complement: SBF2 is on the minus strand). VCF-style: chr11-9993090-C-T. GRCh37 (hg19) VCF-style: chr11-10014637-C-T.
Other names: c.1067G>A, p.Arg356Gln (NM_001386339.1, NM_001386342.1); short protein forms R356Q.
Identifiers: ClinVar variation 476911 (VCV000476911.10), dbSNP rs188588431, ClinGen allele CA5881915.

ClinVar aggregate classification (germline): Uncertain significance. Review status: criteria provided, multiple submitters, no conflicts (2 of 4 stars). 4 submissions from 4 submitters: Uncertain significance (4). Last evaluated 2024-07-17.

Conditions:
Charcot-Marie-Tooth disease type 4. Also called: Charcot-Marie-Tooth, Type 4; Charcot-Marie-Tooth disease, type IV. Identifiers: Orphanet 64749, MedGen C4082197, MONDO:0018995.
Charcot-Marie-Tooth disease. Also called: Charcot-Marie-Tooth Neuropathy; Charcot-Marie-Tooth Hereditary Neuropathy. Identifiers: Orphanet 166, MedGen C0007959, MONDO:0015626.

Allele frequency attached by ClinVar (database versions not stated): TOPMed 0.00003; gnomAD 0.00004 and 0.00005; ExAC 0.00007; 1000 Genomes Project 0.00060; 1000 Genomes Project 30x 0.00062.
gnomAD v4.1: 100 of 1,609,614 alleles (0.0062%); highest among the groups gnomAD compares: African/African-American, 0.008%; no homozygotes.

Submissions (4):

Labcorp Genetics (formerly Invitae), Labcorp
Classification: Uncertain significance for Charcot-Marie-Tooth disease type 4. Last evaluated: 2024-07-17. Review status: criteria provided, single submitter. Criteria: Invitae Variant Classification Sherloc (09022015). Collection method: clinical testing. Allele origin: germline.
Comment: This sequence change replaces arginine, which is basic and polar, with glutamine, which is neutral and polar, at codon 356 of the SBF2 protein (p.Arg356Gln). This variant is present in population databases (rs188588431, gnomAD 0.03%). This missense change has been observed in individual(s) with clinical features of Charcot-Marie-Tooth disease (PMID: 32376792). ClinVar contains an entry for this variant (Variation ID: 476911). Advanced modeling of protein sequence and biophysical properties (such as structural, functional, and spatial information, amino acid conservation, physicochemical variation, residue mobility, and thermodynamic stability) performed at Invitae indicates that this missense variant is expected to disrupt SBF2 protein function with a positive predictive value of 80%. In summary, the available evidence is currently insufficient to determine the role of this variant in disease. Therefore, it has been classified as a Variant of Uncertain Significance.

Blueprint Genetics
Classification: Uncertain significance. Last evaluated: 2023-03-30. Review status: criteria provided, single submitter. Criteria: ACMG Guidelines, 2015. Collection method: clinical testing. Allele origin: germline.

GeneDx
Classification: Uncertain significance. Last evaluated: 2019-11-05. Review status: criteria provided, single submitter. Criteria: GeneDx Variant Classification Process June 2021. Collection method: clinical testing. Allele origin: germline. Affected: yes.
Comment: In silico analysis, which includes protein predictors and evolutionary conservation, supports a deleterious effect; Has not been previously published as pathogenic or benign to our knowledge; This variant is associated with the following publications: (PMID: 32376792)

Molecular Genetics Laboratory, London Health Sciences Centre
Classification: Uncertain significance for Charcot-Marie-Tooth disease. Review status: criteria provided, single submitter. Criteria: ACMG Guidelines, 2015. Collection method: clinical testing. Allele origin: germline. Affected: yes.

Literature cited by the submitters: PubMed 32376792 (cited by Labcorp Genetics (formerly Invitae), Labcorp).